The following is an entry in ClinVar:

NM_007194.4(CHEK2):c.1327G>A (p.Gly443Arg)

Gene: CHEK2 (checkpoint kinase 2; minus strand). Cytogenetic location: 22q12.1.
Variant type: single nucleotide variant.
Coding change: c.1327G>A on transcript NM_007194.4 (MANE Select); coding-DNA position 1327, G replaced by A.
Protein change: p.Gly443Arg; replaces glycine 443 with arginine.
Molecular consequence: missense variant.
Genome position (GRCh38, 1-based): chr22:28,695,175, C>T on the plus strand (G>A on the coding strand, the complement: CHEK2 is on the minus strand). VCF-style: chr22-28695175-C-T. GRCh37 (hg19) VCF-style: chr22-29091163-C-T.
Other names: c.1456G>A, p.Gly486Arg (NM_001005735.3); c.664G>A, p.Gly222Arg (NM_001257387.3); c.1126G>A, p.Gly376Arg (NM_001349956.3); c.1240G>A, p.Gly414Arg (NM_145862.3); short protein forms G222R, G376R, G443R, G486R, G414R.
Identifiers: ClinVar variation 2022083 (VCV002022083.4), dbSNP rs2052518989, ClinGen allele CA411095856.

ClinVar aggregate classification (germline): Uncertain significance (1 of 4 stars; one submission).

Conditions:
Familial cancer of breast. Also called: hereditary breast carcinoma; BREAST CANCER, FAMILIAL; Hereditary breast cancer. Identifiers: Orphanet 227535, MedGen C0346153, MONDO:0016419, OMIM 114480. Disease mechanism: loss of function.

Submission:

Labcorp Genetics (formerly Invitae), Labcorp
Classification: Uncertain significance for Familial cancer of breast. Last evaluated: 2022-08-06. Review status: criteria provided, single submitter. Criteria: Invitae Variant Classification Sherloc (09022015). Collection method: clinical testing. Allele origin: germline.
Comment: In summary, the available evidence is currently insufficient to determine the role of this variant in disease. Therefore, it has been classified as a Variant of Uncertain Significance. Algorithms developed to predict the effect of missense changes on protein structure and function are either unavailable or do not agree on the potential impact of this missense change (SIFT: "Deleterious"; PolyPhen-2: "Probably Damaging"; Align-GVGD: "Class C0"). This variant has not been reported in the literature in individuals affected with CHEK2-related conditions. This variant is not present in population databases (gnomAD no frequency). This sequence change replaces glycine, which is neutral and non-polar, with arginine, which is basic and polar, at codon 443 of the CHEK2 protein (p.Gly443Arg).